The following is an entry in ClinVar:

NM_153676.4(USH1C):c.1603G>T (p.Gly535Ter)

Gene: USH1C (USH1 protein network component harmonin; minus strand). Cytogenetic location: 11p15.1.
Variant type: single nucleotide variant.
Coding change: c.1603G>T on transcript NM_153676.4 (MANE Select); coding-DNA position 1603, G replaced by T.
Protein change: p.Gly535Ter; replaces glycine 535 with a stop codon.
Molecular consequence: nonsense. On other transcripts: intron variant (11).
Genome position (GRCh38, 1-based): chr11:17,509,766, C>A on the plus strand (G>T on the coding strand, the complement: USH1C is on the minus strand). VCF-style: chr11-17509766-C-A. GRCh37 (hg19) VCF-style: chr11-17531313-C-A.
Other names: c.1227+7635G>T (NM_001297764.2); c.1210+11104G>T (NM_001440687.1); c.1413+2136G>T (NM_001440681.1); c.1284+7635G>T (NM_001440685.1, NM_005709.4, NM_001440682.1); c.1285-5069G>T (NM_001440683.1); c.1437+2136G>T (NM_001440680.1); c.1260+7635G>T (NM_001440686.1); c.1317+7635G>T (NM_001440684.1); and 1 more; short protein forms G535*.
Identifiers: ClinVar variation 5007832 (VCV005007832.2).

ClinVar aggregate classification (germline): Likely pathogenic (1 of 4 stars; one submission).

Conditions:
Autosomal recessive nonsyndromic hearing loss 18A. Also called: Deafness, autosomal recessive 18A; DEAFNESS, AUTOSOMAL RECESSIVE 18. Identifiers: Orphanet 90636, MedGen C1865870, MONDO:0011192, OMIM 602092.
Usher syndrome type 1C. Also called: USHER SYNDROME, TYPE I, ACADIAN VARIETY. Identifiers: Orphanet 231169, Orphanet 886, MedGen C1848604, MONDO:0010171, OMIM 276904.

Submission:

Juno Genomics, Hangzhou Juno Genomics, Inc
Classification: Likely pathogenic for Usher syndrome type 1C; Autosomal recessive nonsyndromic hearing loss 18A. Review status: criteria provided, single submitter. Criteria: ACMG Guidelines, 2015. Collection method: clinical testing. Allele origin: germline.
Comment: Null variant in a gene where loss of function (LOF) is a known mechanism of disease.;Absent from controls (or at extremely low frequency if recessive) in Genome Aggregation Database.